The following is an entry in ClinVar:

ClinVar aggregate classification (germline): Uncertain significance (1 of 4 stars; one submission).

Conditions:
Evans syndrome, immunodeficiency, and premature immunosenescence associated with tripeptidyl-peptidase II deficiency. Identifiers: MedGen CN231723. Disease mechanism: loss of function.

Allele frequency attached by ClinVar (database versions not stated): gnomAD exomes below 0.00001.

Submission:

Labcorp Genetics (formerly Invitae), Labcorp
Classification: Uncertain significance for Evans syndrome, immunodeficiency, and premature immunosenescence associated with tripeptidyl-peptidase II deficiency. Last evaluated: 2021-11-22. Review status: criteria provided, single submitter. Criteria: Invitae Variant Classification Sherloc (09022015). Collection method: clinical testing. Allele origin: germline.
Comment: This sequence change replaces lysine, which is basic and polar, with arginine, which is basic and polar, at codon 933 of the TPP2 protein (p.Lys933Arg). This variant is not present in population databases (gnomAD no frequency). This variant has not been reported in the literature in individuals affected with TPP2-related conditions. Algorithms developed to predict the effect of missense changes on protein structure and function are either unavailable or do not agree on the potential impact of this missense change (SIFT: "Tolerated"; PolyPhen-2: "Probably Damaging"; Align-GVGD: "Class C0"). In summary, the available evidence is currently insufficient to determine the role of this variant in disease. Therefore, it has been classified as a Variant of Uncertain Significance.

NM_001330588.2(TPP2):c.2798A>G (p.Lys933Arg)

Gene: TPP2 (tripeptidyl peptidase 2; plus strand). Cytogenetic location: 13q33.1.
Variant type: single nucleotide variant.
Coding change: c.2798A>G on transcript NM_001330588.2 (MANE Select); coding-DNA position 2798, A replaced by G.
Protein change: p.Lys933Arg; replaces lysine 933 with arginine.
Molecular consequence: missense variant. On other transcripts: non-coding transcript variant (1).
Genome position (GRCh38, 1-based): chr13:102,649,076, A>G. VCF-style: chr13-102649076-A-G. GRCh37 (hg19) VCF-style: chr13-103301426-A-G.
Other names: c.2798A>G, p.Lys933Arg (NM_001367947.1, NM_003291.4); short protein forms K933R.
Identifiers: ClinVar variation 1495708 (VCV001495708.3), dbSNP rs2139546830, ClinGen allele CA388502060.